The following is an entry in ClinVar:

ClinVar aggregate classification (germline): Likely benign (1 of 4 stars; one submission).

Allele frequency attached by ClinVar (database versions not stated): ExAC 0.00001; gnomAD exomes 0.00001; TOPMed 0.00005; ESP Exome Variant Server 0.00008.
gnomAD v4.1: 5 of 1,614,184 alleles (0.00031%); highest among the groups gnomAD compares: Non-Finnish European, 0.00034%; no homozygotes.

Submission:

CeGaT Center for Human Genetics Tuebingen
Classification: Likely benign. Last evaluated: 2023-12-01. Review status: criteria provided, single submitter. Criteria: CeGaT Center For Human Genetics Tuebingen Variant Classification Criteria Version 2. Collection method: clinical testing. Allele origin: germline. Affected: yes. Observed: 1 variant allele.
Comment: YY1: BP4, BP7

NM_003403.5(YY1):c.1167T>C (p.Gly389=)

Gene: YY1 (YY1 transcription factor; plus strand). Cytogenetic location: 14q32.2.
Variant type: single nucleotide variant.
Coding change: c.1167T>C on transcript NM_003403.5 (MANE Select); coding-DNA position 1167, T replaced by C.
Protein change: p.Gly389=; no amino-acid change (glycine 389 retained).
Molecular consequence: synonymous variant.
Genome position (GRCh38, 1-based): chr14:100,277,522, T>C. VCF-style: chr14-100277522-T-C. GRCh37 (hg19) VCF-style: chr14-100743859-T-C.
Identifiers: ClinVar variation 3026404 (VCV003026404.22), dbSNP rs146635933, ClinGen allele CA7344142.